The following is an entry in ClinVar:

NM_024548.4(CEP97):c.1400T>C (p.Met467Thr)

Gene: CEP97 (centrosomal protein 97; plus strand). Cytogenetic location: 3q12.3.
Variant type: single nucleotide variant.
Coding change: c.1400T>C on transcript NM_024548.4 (MANE Select); coding-DNA position 1400, T replaced by C.
Protein change: p.Met467Thr; replaces methionine 467 with threonine.
Molecular consequence: missense variant.
Genome position (GRCh38, 1-based): chr3:101,758,006, T>C. VCF-style: chr3-101758006-T-C. GRCh37 (hg19) VCF-style: chr3-101476850-T-C.
Other names: c.1223T>C, p.Met408Thr (NM_001303401.2); c.1298T>C, p.Met433Thr (NM_001410784.1); c.1121T>C, p.Met374Thr (NM_001410785.1); short protein forms M374T, M408T, M467T, M433T.
Identifiers: ClinVar variation 2140448 (VCV002140448.4), dbSNP rs183786171, ClinGen allele CA353877501.

ClinVar aggregate classification (germline): Uncertain significance (1 of 4 stars; one submission).

gnomAD v4.1: 1 of 1,614,198 alleles (0.000062%); no homozygotes.

Submission:

Labcorp Genetics (formerly Invitae), Labcorp
Classification: Uncertain significance. Last evaluated: 2022-02-25. Review status: criteria provided, single submitter. Criteria: Invitae Variant Classification Sherloc (09022015). Collection method: clinical testing. Allele origin: germline.
Comment: In summary, the available evidence is currently insufficient to determine the role of this variant in disease. Therefore, it has been classified as a Variant of Uncertain Significance. Algorithms developed to predict the effect of missense changes on protein structure and function output the following: SIFT: "Tolerated"; PolyPhen-2: "Benign"; Align-GVGD: "Class C0". The threonine amino acid residue is found in multiple mammalian species, which suggests that this missense change does not adversely affect protein function. This sequence change replaces methionine, which is neutral and non-polar, with threonine, which is neutral and polar, at codon 467 of the CEP97 protein (p.Met467Thr). This variant is not present in population databases (gnomAD no frequency). This variant has not been reported in the literature in individuals affected with CEP97-related conditions.